The following is an entry in ClinVar:

ClinVar aggregate classification (germline): Uncertain significance (1 of 4 stars; one submission).

Conditions:
Early-infantile DEE. Also called: Early infantile epileptic encephalopathy; Ohtahara syndrome; Early infantile epileptic encephalopathy with suppression bursts. Identifiers: Orphanet 1934, MedGen C0393706, MONDO:0800491.

gnomAD v4.1: 22 of 1,613,840 alleles (0.0014%); highest among the groups gnomAD compares: South Asian, 0.0077%; no homozygotes.

Submissions (2):

Labcorp Genetics (formerly Invitae), Labcorp
Classification: Uncertain significance for Early-infantile DEE. Last evaluated: 2024-10-23. Review status: criteria provided, single submitter. Criteria: Invitae Variant Classification Sherloc (09022015). Collection method: clinical testing. Allele origin: germline.
Comment: This sequence change replaces alanine, which is neutral and non-polar, with valine, which is neutral and non-polar, at codon 1975 of the SPTAN1 protein (p.Ala1975Val). This variant is present in population databases (rs772780483, gnomAD 0.04%). This variant has not been reported in the literature in individuals affected with SPTAN1-related conditions. ClinVar contains an entry for this variant (Variation ID: 947998). Invitae Evidence Modeling of protein sequence and biophysical properties (such as structural, functional, and spatial information, amino acid conservation, physicochemical variation, residue mobility, and thermodynamic stability) has been performed for this missense variant. However, the output from this modeling did not meet the statistical confidence thresholds required to predict the impact of this variant on SPTAN1 protein function. In summary, the available evidence is currently insufficient to determine the role of this variant in disease. Therefore, it has been classified as a Variant of Uncertain Significance.

Dr. Peter K. Rogan Lab, Western University
No classification provided (evidence only). Condition: Ovarian serous cystadenocarcinoma. Review status: no classification provided. Collection method: in vitro. Allele origin: not applicable. Functional consequence: retained intron. Not counted in ClinVar's aggregate classification.

NM_001130438.3(SPTAN1):c.5924C>T (p.Ala1975Val)

Gene: SPTAN1 (spectrin alpha, non-erythrocytic 1; plus strand). Cytogenetic location: 9q34.11.
Variant type: single nucleotide variant.
Coding change: c.5924C>T on transcript NM_001130438.3 (MANE Select); coding-DNA position 5924, C replaced by T.
Protein change: p.Ala1975Val; replaces alanine 1975 with valine.
Molecular consequence: missense variant.
Genome position (GRCh38, 1-based): chr9:128,624,419, C>T. VCF-style: chr9-128624419-C-T. GRCh37 (hg19) VCF-style: chr9-131386698-C-T.
Other names: c.5849C>T, p.Ala1950Val (NM_001195532.2); c.5924C>T, p.Ala1975Val (NM_001363759.2, NM_001375310.1, NM_001375311.2 and 1 more transcripts); c.5864C>T, p.Ala1955Val (NM_001363765.2, NM_001375314.2); c.5960C>T, p.Ala1987Val (NM_001375312.2, NM_001375318.1); c.5909C>T, p.Ala1970Val (NM_003127.4); short protein forms A1970V, A1950V, A1955V, A1987V, A1975V.
Identifiers: ClinVar variation 947998 (VCV000947998.11), dbSNP rs772780483, ClinGen allele CA5265595.
Genomic context (GRCh38, chr9:128,624,419, plus strand): 5'-AGATGAAGGGCCTGAACGGGAAAGTGTCAGACCTGGAGAAAGCTGCAGCCCAGAGAAAGG[C>T]GAAGCTGGATGAGAACTCGGCCTTCCTTCAGTTCAACTGGAAGGCGGACGTGGTGGAGTC-3'
Protein context (NP_001123910.1, residues 1965-1985): DLEKAAAQRK[Ala1975Val]KLDENSAFLQ